The following is an entry in ClinVar:

ClinVar aggregate classification (germline): Uncertain significance (1 of 4 stars; one submission).

Conditions:
Hereditary sensory and autonomic neuropathy type 7. Also called: HSAN VII; Neuropathy, hereditary sensory and autonomic, type VII. Identifiers: Orphanet 391397, MedGen C3809882, MONDO:0014244, OMIM 615548.
Familial episodic pain syndrome with predominantly lower limb involvement. Also called: Episodic pain syndrome, familial, 3. Identifiers: Orphanet 391384, Orphanet 391392, MedGen C3809899, MONDO:0014247, OMIM 615552.

gnomAD v4.1: 5 of 1,605,572 alleles (0.00031%); highest among the groups gnomAD compares: Non-Finnish European, 0.00043%; no homozygotes.

Submission:

Labcorp Genetics (formerly Invitae), Labcorp
Classification: Uncertain significance for Familial episodic pain syndrome with predominantly lower limb involvement; Hereditary sensory and autonomic neuropathy type 7. Last evaluated: 2024-11-27. Review status: criteria provided, single submitter. Criteria: Invitae Variant Classification Sherloc (09022015). Collection method: clinical testing. Allele origin: germline.
Comment: This sequence change replaces glutamic acid, which is acidic and polar, with glycine, which is neutral and non-polar, at codon 1076 of the SCN11A protein (p.Glu1076Gly). This variant is not present in population databases (gnomAD no frequency). This variant has not been reported in the literature in individuals affected with SCN11A-related conditions. Invitae Evidence Modeling of protein sequence and biophysical properties (such as structural, functional, and spatial information, amino acid conservation, physicochemical variation, residue mobility, and thermodynamic stability) indicates that this missense variant is expected to disrupt SCN11A protein function with a positive predictive value of 80%. In summary, the available evidence is currently insufficient to determine the role of this variant in disease. Therefore, it has been classified as a Variant of Uncertain Significance.

NM_001349253.2(SCN11A):c.3227A>G (p.Glu1076Gly)

Gene: SCN11A (sodium voltage-gated channel alpha subunit 11; minus strand). Cytogenetic location: 3p22.2.
Variant type: single nucleotide variant.
Coding change: c.3227A>G on transcript NM_001349253.2 (MANE Select); coding-DNA position 3227, A replaced by G.
Protein change: p.Glu1076Gly; replaces glutamic acid 1076 with glycine.
Molecular consequence: missense variant.
Genome position (GRCh38, 1-based): chr3:38,880,116, T>C on the plus strand (A>G on the coding strand, the complement: SCN11A is on the minus strand). VCF-style: chr3-38880116-T-C. GRCh37 (hg19) VCF-style: chr3-38921607-T-C.
Other names: c.3227A>G, p.Glu1076Gly (NM_014139.3); short protein forms E1076G.
Identifiers: ClinVar variation 3763251 (VCV003763251.2).
Genomic context (GRCh38, chr3:38,880,116, plus strand): 5'-ATAATGTCAGTACAATTTAGTAATTCTTGGATTTTGGGTTGGTTCTCAAGGTGAACATCT[T>C]CAAATATCTGAAATGAAAAAGCATAGCCATAGGCCAGGTTGAATATTTGCAAAGAACTCC-3'
Protein context (NP_001336182.1, residues 1066-1086): ILLSSGALIF[Glu1076Gly]DVHLENQPKI